The following is an entry in ClinVar:

ClinVar aggregate classification (germline): Uncertain significance. Review status: criteria provided, multiple submitters, no conflicts (2 of 4 stars). 2 submissions from 2 submitters: Uncertain significance (2). Last evaluated 2025-10-23.

Allele frequency attached by ClinVar (database versions not stated): gnomAD exomes 0.00001 and 0.00002; ExAC 0.00002; gnomAD 0.00003 and 0.00004; TOPMed 0.00003.
gnomAD v4.1: 29 of 1,613,994 alleles (0.0018%); highest among the groups gnomAD compares: Admixed American, 0.012%; no homozygotes.

Submissions (2):

Labcorp Genetics (formerly Invitae), Labcorp
Classification: Uncertain significance. Last evaluated: 2025-10-23. Review status: criteria provided, single submitter. Criteria: Invitae Variant Classification Sherloc (09022015). Collection method: clinical testing. Allele origin: germline.
Comment: This sequence change replaces glutamic acid, which is acidic and polar, with lysine, which is basic and polar, at codon 351 of the PITPNM3 protein (p.Glu351Lys). This variant is present in population databases (rs750005762, gnomAD 0.009%). This variant has not been reported in the literature in individuals affected with PITPNM3-related conditions. ClinVar contains an entry for this variant (Variation ID: 960383). Invitae Evidence Modeling of protein sequence and biophysical properties (such as structural, functional, and spatial information, amino acid conservation, physicochemical variation, residue mobility, and thermodynamic stability) indicates that this missense variant is not expected to disrupt PITPNM3 protein function with a negative predictive value of 80%. In summary, the available evidence is currently insufficient to determine the role of this variant in disease. Therefore, it has been classified as a Variant of Uncertain Significance.

Ambry Genetics
Classification: Uncertain significance. Last evaluated: 2024-09-10. Review status: criteria provided, single submitter. Criteria: Ambry Variant Classification Scheme 2023. Collection method: clinical testing. Allele origin: germline.

NM_031220.4(PITPNM3):c.1051G>A (p.Glu351Lys)

Gene: PITPNM3 (PITPNM family member 3; minus strand). Cytogenetic location: 17p13.2.
Variant type: single nucleotide variant.
Coding change: c.1051G>A on transcript NM_031220.4 (MANE Select); coding-DNA position 1051, G replaced by A.
Protein change: p.Glu351Lys; replaces glutamic acid 351 with lysine.
Molecular consequence: missense variant.
Genome position (GRCh38, 1-based): chr17:6,477,063, C>T on the plus strand (G>A on the coding strand, the complement: PITPNM3 is on the minus strand). VCF-style: chr17-6477063-C-T. GRCh37 (hg19) VCF-style: chr17-6380383-C-T.
Other names: c.943G>A, p.Glu315Lys (NM_001165966.2); short protein forms E315K, E351K.
Identifiers: ClinVar variation 960383 (VCV000960383.11), dbSNP rs750005762, ClinGen allele CA8329634.